The following is an entry in ClinVar:

NM_017799.4(TMEM260):c.304G>T (p.Gly102Ter)

Gene: TMEM260 (transmembrane protein 260; plus strand). Cytogenetic location: 14q22.3.
Variant type: single nucleotide variant.
Coding change: c.304G>T on transcript NM_017799.4 (MANE Select); coding-DNA position 304, G replaced by T.
Protein change: p.Gly102Ter; replaces glycine 102 with a stop codon.
Molecular consequence: nonsense.
Genome position (GRCh38, 1-based): chr14:56,585,872, G>T. VCF-style: chr14-56585872-G-T. GRCh37 (hg19) VCF-style: chr14-57052590-G-T.
Other names: short protein forms G102*.
Identifiers: ClinVar variation 4850661 (VCV004850661.1).

ClinVar aggregate classification (germline): Likely pathogenic (1 of 4 stars; one submission).

Conditions:
Structural heart defects and renal anomalies syndrome (SHDRA). Identifiers: Orphanet 689822, MedGen C4479549, MONDO:0044321, OMIM 617478.

gnomAD v4.1: 1 of 1,613,088 alleles (0.000062%); highest among the groups gnomAD compares: Non-Finnish European, 0.000085%; no homozygotes.

Submission:

First Genomix Gene Laboratory, Genetic Diagnostics Department
Classification: Likely pathogenic for Structural heart defects and renal anomalies syndrome. Last evaluated: 2025-07-31. Review status: criteria provided, single submitter. Criteria: ACMG Guidelines, 2015. Collection method: clinical testing. Allele origin: germline. Inheritance: Autosomal recessive inheritance. Affected: no. Observed: 1 variant allele.